The following is an entry in ClinVar:

ClinVar aggregate classification (germline): Uncertain significance. Review status: criteria provided, multiple submitters, no conflicts (2 of 4 stars). 3 submissions from 3 submitters: Uncertain significance (3). Last evaluated 2025-09-03.

Conditions:
Hereditary cancer-predisposing syndrome. Also called: Neoplastic Syndromes, Hereditary; Tumor predisposition; Hereditary Cancer Syndrome; Hereditary neoplastic syndrome. Identifiers: Orphanet 140162, MedGen C0027672, MeSH D009386, MONDO:0015356.
Retinoblastoma (RB1). Also called: RETINOBLASTOMA, SOMATIC. Identifiers: Orphanet 790, MedGen C0035335, MeSH D012175, MONDO:0008380, OMIM 180200, HP:0009919. Disease mechanism: loss of function. Inheritance: Both sporadic and heritable forms are tested..

gnomAD v4.1: 1 of 1,606,068 alleles (0.000062%); highest among the groups gnomAD compares: Non-Finnish European, 0.000085%; no homozygotes.

Submissions (3):

Color Diagnostics, LLC DBA Color Health
Classification: Uncertain significance for Retinoblastoma. Last evaluated: 2025-09-03. Review status: criteria provided, single submitter. Criteria: ACMG Guidelines, 2015. Collection method: clinical testing. Allele origin: germline.
Comment: This missense variant replaces threonine with arginine at codon 823 of the RB1 protein. Computational prediction suggests that this variant may not impact protein structure and function. To our knowledge, functional studies have not been reported for this variant. This variant has not been reported in individuals affected with RB1-related disorders in the literature. This variant has been identified in 1/250762 chromosomes in the general population by the Genome Aggregation Database (gnomAD). The available evidence is insufficient to determine the role of this variant in disease conclusively. Therefore, this variant is classified as a Variant of Uncertain Significance.

Ambry Genetics
Classification: Uncertain significance for Hereditary cancer-predisposing syndrome. Last evaluated: 2024-11-13. Review status: criteria provided, single submitter. Criteria: Ambry Variant Classification Scheme 2023. Collection method: clinical testing. Allele origin: germline.
Comment: The p.T823R variant (also known as c.2468C>G), located in coding exon 23 of the RB1 gene, results from a C to G substitution at nucleotide position 2468. The threonine at codon 823 is replaced by arginine, an amino acid with similar properties. This amino acid position is highly conserved in available vertebrate species. In addition, the in silico prediction for this alteration is inconclusive. Based on the available evidence, the clinical significance of this variant remains unclear.

Labcorp Genetics (formerly Invitae), Labcorp
Classification: Uncertain significance for Retinoblastoma. Last evaluated: 2024-04-16. Review status: criteria provided, single submitter. Criteria: Invitae Variant Classification Sherloc (09022015). Collection method: clinical testing. Allele origin: germline.
Comment: This sequence change replaces threonine, which is neutral and polar, with arginine, which is basic and polar, at codon 823 of the RB1 protein (p.Thr823Arg). This variant is present in population databases (rs759015619, gnomAD 0.0009%). This variant has not been reported in the literature in individuals affected with RB1-related conditions. Advanced modeling of protein sequence and biophysical properties (such as structural, functional, and spatial information, amino acid conservation, physicochemical variation, residue mobility, and thermodynamic stability) has been performed at Invitae for this missense variant, however the output from this modeling did not meet the statistical confidence thresholds required to predict the impact of this variant on RB1 protein function. In summary, the available evidence is currently insufficient to determine the role of this variant in disease. Therefore, it has been classified as a Variant of Uncertain Significance.

NM_000321.3(RB1):c.2468C>G (p.Thr823Arg)

Gene: RB1 (RB transcriptional corepressor 1; plus strand). Cytogenetic location: 13q14.2.
Variant type: single nucleotide variant.
Coding change: c.2468C>G on transcript NM_000321.3 (MANE Select); coding-DNA position 2468, C replaced by G.
Protein change: p.Thr823Arg; replaces threonine 823 with arginine.
Molecular consequence: missense variant.
Genome position (GRCh38, 1-based): chr13:48,465,347, C>G. VCF-style: chr13-48465347-C-G. GRCh37 (hg19) VCF-style: chr13-49039483-C-G.
Other names: c.2468C>G, p.Thr823Arg (NM_001407165.1); short protein forms T823R.
Identifiers: ClinVar variation 3430853 (VCV003430853.4).